The following is an entry in ClinVar:

NM_001005337.3(PKP1):c.1507A>G (p.Asn503Asp)

Gene: PKP1 (plakophilin 1; plus strand). Cytogenetic location: 1q32.1.
Variant type: single nucleotide variant.
Coding change: c.1507A>G on transcript NM_001005337.3 (MANE Select); coding-DNA position 1507, A replaced by G.
Protein change: p.Asn503Asp; replaces asparagine 503 with aspartic acid.
Molecular consequence: missense variant.
Genome position (GRCh38, 1-based): chr1:201,323,016, A>G. VCF-style: chr1-201323016-A-G. GRCh37 (hg19) VCF-style: chr1-201292144-A-G.
Other names: c.1507A>G (NM_001005337.2); c.1570A>G, p.Asn524Asp (NM_000299.4); short protein forms N524D, N503D.
Identifiers: ClinVar variation 2083109 (VCV002083109.4), dbSNP rs143670888, ClinGen allele CA1324535.

ClinVar aggregate classification (germline): Uncertain significance. Review status: criteria provided, multiple submitters, no conflicts (2 of 4 stars). 2 submissions from 2 submitters: Uncertain significance (2). Last evaluated 2025-08-13.

Conditions:
Inborn genetic diseases. Identifiers: MedGen C0950123, MeSH D030342.

Allele frequency attached by ClinVar (database versions not stated): gnomAD exomes 0.00002; ExAC 0.00006; ESP Exome Variant Server 0.00015; gnomAD 0.00023; TOPMed 0.00036.
gnomAD v4.1: 60 of 1,613,824 alleles (0.0037%); highest among the groups gnomAD compares: African/African-American, 0.049%; no homozygotes.

Submissions (2):

Ambry Genetics
Classification: Uncertain significance for Inborn genetic diseases. Last evaluated: 2025-08-13. Review status: criteria provided, single submitter. Criteria: Ambry Variant Classification Scheme 2023. Collection method: clinical testing. Allele origin: germline.

Labcorp Genetics (formerly Invitae), Labcorp
Classification: Uncertain significance. Last evaluated: 2022-05-03. Review status: criteria provided, single submitter. Criteria: Invitae Variant Classification Sherloc (09022015). Collection method: clinical testing. Allele origin: germline.
Comment: This sequence change replaces asparagine, which is neutral and polar, with aspartic acid, which is acidic and polar, at codon 503 of the PKP1 protein (p.Asn503Asp). This variant is present in population databases (rs143670888, gnomAD 0.05%). This variant has not been reported in the literature in individuals affected with PKP1-related conditions. Algorithms developed to predict the effect of missense changes on protein structure and function output the following: SIFT: "Tolerated"; PolyPhen-2: "Benign"; Align-GVGD: "Class C0". The aspartic acid amino acid residue is found in multiple mammalian species, which suggests that this missense change does not adversely affect protein function. In summary, the available evidence is currently insufficient to determine the role of this variant in disease. Therefore, it has been classified as a Variant of Uncertain Significance.